The following is an entry in ClinVar:

NM_006648.4(WNK2):c.6563C>A (p.Ala2188Glu)

Gene: WNK2 (WNK lysine deficient protein kinase 2; plus strand). Cytogenetic location: 9q22.31.
Variant type: single nucleotide variant.
Coding change: c.6563C>A on transcript NM_006648.4 (MANE Select); coding-DNA position 6563, C replaced by A.
Protein change: p.Ala2188Glu; replaces alanine 2188 with glutamic acid.
Molecular consequence: missense variant.
Genome position (GRCh38, 1-based): chr9:93,317,566, C>A. VCF-style: chr9-93317566-C-A. GRCh37 (hg19) VCF-style: chr9-96079848-C-A.
Other names: c.6674C>A, p.Ala2225Glu (NM_001282394.3); short protein forms A2225E, A2188E.
Identifiers: ClinVar variation 5031947 (VCV005031947.1).
Genomic context (GRCh38, chr9:93,317,566, plus strand): 5'-TCTGTGTTTTGTAGATGACCGCACCTCGAGCAGGAGTGGGGATGCCACGTCTGCCCCCAG[C>A]GCCCGGCCCTCTGTCCACCACGGTCATTCCCGGAGCCGCCCCGACCCTGTCCGTGCCCAC-3'
Protein context (NP_006639.3, residues 2178-2198): AGVGMPRLPP[Ala2188Glu]PGPLSTTVIP

ClinVar aggregate classification (germline): Uncertain significance (1 of 4 stars; one submission).

Submission:

Ambry Genetics
Classification: Uncertain significance. Last evaluated: 2026-08-23. Review status: criteria provided, single submitter. Criteria: Ambry Variant Classification Scheme 2023. Collection method: clinical testing. Allele origin: germline.
Comment: The p.A2188E variant (also known as c.6563C>A), located in coding exon 28 of the WNK2 gene, results from a C to A substitution at nucleotide position 6563. The alanine at codon 2188 is replaced by glutamic acid, an amino acid with dissimilar properties. This amino acid position is conserved. In addition, this alteration is predicted to be tolerated by in silico analysis. Based on the available evidence, the clinical significance of this variant remains unclear.